The following is an entry in ClinVar:

NM_001379610.1(SPINK1):c.231G>A (p.Gly77=)

Gene: SPINK1 (serine peptidase inhibitor Kazal type 1; minus strand). Cytogenetic location: 5q32.
Variant type: single nucleotide variant.
Coding change: c.231G>A on transcript NM_001379610.1 (MANE Select); coding-DNA position 231, G replaced by A.
Protein change: p.Gly77=; no amino-acid change (glycine 77 retained).
Molecular consequence: synonymous variant.
Genome position (GRCh38, 1-based): chr5:147,824,670, C>T on the plus strand (G>A on the coding strand, the complement: SPINK1 is on the minus strand). VCF-style: chr5-147824670-C-T. GRCh37 (hg19) VCF-style: chr5-147204233-C-T.
Other names: p.Gly77=; c.231G>A, p.Gly77= (NM_001354966.2, NM_003122.5).
Identifiers: ClinVar variation 258914 (VCV000258914.36), dbSNP rs34809998, ClinGen allele CA3494746.

ClinVar aggregate classification (germline): Benign/Likely benign. Review status: criteria provided, multiple submitters, no conflicts (2 of 4 stars). 8 submissions from 8 submitters: Benign (6); Likely benign (2). Last evaluated 2026-01-20.

Conditions:
Hereditary pancreatitis (PCTT). Also called: Hereditary chronic pancreatitis; PRSS1-Related Hereditary Pancreatitis. Identifiers: Orphanet 676, MedGen C0238339, MONDO:0008185, OMIM 167800.

Allele frequency attached by ClinVar (database versions not stated): ExAC 0.00236; TOPMed 0.00901; gnomAD exomes 0.00080 and 0.00184; ESP Exome Variant Server 0.00938; gnomAD 0.00758 and 0.00827; 1000 Genomes Project 30x 0.00562; 1000 Genomes Project 0.00619.
gnomAD v4.1: 2,364 of 1,613,948 alleles (0.15%); highest among the groups gnomAD compares: African/African-American, 2.9%; 36 homozygotes.

Submissions (8):

Labcorp Genetics (formerly Invitae), Labcorp
Classification: Benign for Hereditary pancreatitis. Last evaluated: 2026-01-20. Review status: criteria provided, single submitter. Criteria: Invitae Variant Classification Sherloc (09022015). Collection method: clinical testing. Allele origin: germline.

ARUP Laboratories, Molecular Genetics and Genomics, ARUP Laboratories
Classification: Benign. Last evaluated: 2025-04-14. Review status: criteria provided, single submitter. Criteria: ARUP Molecular Germline Variant Investigation Process 2024. Collection method: clinical testing. Allele origin: germline.

KCCC/NGS Laboratory, Kuwait Cancer Control Center
Classification: Benign for Hereditary pancreatitis. Last evaluated: 2023-07-07. Review status: criteria provided, single submitter. Criteria: ACMG Guidelines, 2015. Collection method: clinical testing. Allele origin: germline. Affected: yes.

Mayo Clinic Laboratories, Mayo Clinic
Classification: Benign. Last evaluated: 2022-05-09. Review status: criteria provided, single submitter. Criteria: ACMG Guidelines, 2015. Collection method: clinical testing. Allele origin: germline. Observed: 23 variant alleles.
Comment: BS3, BP4, BP7

Illumina Laboratory Services, Illumina
Classification: Likely benign for Hereditary pancreatitis. Last evaluated: 2017-04-27. Review status: criteria provided, single submitter. Criteria: ICSL Variant Classification Criteria 13 December 2019. Collection method: clinical testing. Allele origin: germline.
Comment: This variant was observed as part of a predisposition screen in an ostensibly healthy population. A literature search was performed for the gene, cDNA change, and amino acid change (where applicable). No publications were found based on this search. Allele frequency data from public databases allowed determination this variant is unlikely to cause disease. Therefore, this variant is classified as likely benign.

Ambry Genetics
Classification: Benign for Hereditary pancreatitis. Last evaluated: 2016-03-08. Review status: criteria provided, single submitter. Criteria: Ambry Variant Classification Scheme 2023. Collection method: clinical testing. Allele origin: germline.

Breakthrough Genomics
Classification: Likely benign. Review status: criteria provided, single submitter. Criteria: ACMG Guidelines, 2015. Collection method: not provided. Allele origin: germline. Inheritance: Autosomal recessive inheritance. Affected: yes.

PreventionGenetics, part of Exact Sciences
Classification: Benign. Review status: criteria provided, single submitter. Criteria: ACMG Guidelines, 2015. Collection method: clinical testing. Allele origin: germline.